The following is an entry in ClinVar:

NM_005535.3(IL12RB1):c.395A>G (p.Gln132Arg)

Gene: IL12RB1 (interleukin 12 receptor subunit beta 1; minus strand). Cytogenetic location: 19p13.11.
Variant type: single nucleotide variant.
Coding change: c.395A>G on transcript NM_005535.3 (MANE Select); coding-DNA position 395, A replaced by G.
Protein change: p.Gln132Arg; replaces glutamine 132 with arginine.
Molecular consequence: missense variant.
Genome position (GRCh38, 1-based): chr19:18,080,846, T>C on the plus strand (A>G on the coding strand, the complement: IL12RB1 is on the minus strand). VCF-style: chr19-18080846-T-C. GRCh37 (hg19) VCF-style: chr19-18191656-T-C.
Other names: c.395A>G, p.Gln132Arg (NM_001290023.2, NM_153701.3); c.515A>G, p.Gln172Arg (NM_001290024.2); short protein forms Q132R, Q172R.
Identifiers: ClinVar variation 1513364 (VCV001513364.7), dbSNP rs1249188206, ClinGen allele CA404789691.

ClinVar aggregate classification (germline): Uncertain significance. Review status: criteria provided, multiple submitters, no conflicts (2 of 4 stars). 2 submissions from 2 submitters: Uncertain significance (2). Last evaluated 2025-01-02.

Conditions:
Mendelian susceptibility to mycobacterial diseases due to complete IL12RB1 deficiency. Also called: IL12RB1 DEFICIENCY; Immunodeficiency 30. Identifiers: Orphanet 319552, MedGen C4013949, MONDO:0013955, OMIM 614891.
Inborn genetic diseases. Identifiers: MedGen C0950123, MeSH D030342.

Allele frequency attached by ClinVar (database versions not stated): gnomAD exomes below 0.00001; gnomAD 0.00001; TOPMed 0.00001.
gnomAD v4.1: 7 of 1,608,606 alleles (0.00044%); highest among the groups gnomAD compares: African/African-American, 0.008%; no homozygotes.

Submissions (2):

Ambry Genetics
Classification: Uncertain significance for Inborn genetic diseases. Last evaluated: 2025-01-02. Review status: criteria provided, single submitter. Criteria: Ambry Variant Classification Scheme 2023. Collection method: clinical testing. Allele origin: germline.

Labcorp Genetics (formerly Invitae), Labcorp
Classification: Uncertain significance for Mendelian susceptibility to mycobacterial diseases due to complete IL12RB1 deficiency. Last evaluated: 2021-03-23. Review status: criteria provided, single submitter. Criteria: Invitae Variant Classification Sherloc (09022015). Collection method: clinical testing. Allele origin: germline.
Comment: In summary, the available evidence is currently insufficient to determine the role of this variant in disease. Therefore, it has been classified as a Variant of Uncertain Significance. Algorithms developed to predict the effect of missense changes on protein structure and function output the following: SIFT: "Tolerated"; PolyPhen-2: "Benign"; Align-GVGD: "Class C0". The arginine amino acid residue is found in multiple mammalian species, suggesting that this missense change does not adversely affect protein function. These predictions have not been confirmed by published functional studies and their clinical significance is uncertain. This variant has not been reported in the literature in individuals with IL12RB1-related conditions. This variant is not present in population databases (ExAC no frequency). This sequence change replaces glutamine with arginine at codon 132 of the IL12RB1 protein (p.Gln132Arg). The glutamine residue is weakly conserved and there is a small physicochemical difference between glutamine and arginine.